The following is an entry in ClinVar:

ClinVar aggregate classification (germline): Uncertain significance (1 of 4 stars; one submission).

Allele frequency attached by ClinVar (database versions not stated): TOPMed below 0.00001; gnomAD 0.00002; ExAC 0.00006; gnomAD exomes 0.00008; 1000 Genomes Project 30x 0.00031; 1000 Genomes Project 0.00040.
gnomAD v4.1: 62 of 1,613,776 alleles (0.0038%); highest among the groups gnomAD compares: South Asian, 0.066%; 1 homozygote.

Submission:

Labcorp Genetics (formerly Invitae), Labcorp
Classification: Uncertain significance. Last evaluated: 2026-01-27. Review status: criteria provided, single submitter. Criteria: Invitae Variant Classification Sherloc (09022015). Collection method: clinical testing. Allele origin: germline.
Comment: This sequence change replaces aspartic acid, which is acidic and polar, with glutamic acid, which is acidic and polar, at codon 1648 of the VCAN protein (p.Asp1648Glu). This variant is present in population databases (rs534250394, gnomAD 0.06%), and has an allele count higher than expected for a pathogenic variant. This variant has not been reported in the literature in individuals affected with VCAN-related conditions. ClinVar contains an entry for this variant (Variation ID: 1483286). An algorithm developed to predict the effect of missense changes on protein structure and function (PolyPhen-2) suggests that this variant is likely to be tolerated. In summary, the available evidence is currently insufficient to determine the role of this variant in disease. Therefore, it has been classified as a Variant of Uncertain Significance.

NM_004385.5(VCAN):c.4944T>A (p.Asp1648Glu)

Genes: VCAN (versican; plus strand), VCAN-AS1 (VCAN antisense RNA 1; minus strand). Cytogenetic location: 5q14.3.
Variant type: single nucleotide variant.
Coding change: c.4944T>A on transcript NM_004385.5 (MANE Select); coding-DNA position 4944, T replaced by A.
Protein change: p.Asp1648Glu; replaces aspartic acid 1648 with glutamic acid.
Molecular consequence: missense variant. On other transcripts: intron variant (2).
Genome position (GRCh38, 1-based): chr5:83,537,947, T>A. VCF-style: chr5-83537947-T-A. GRCh37 (hg19) VCF-style: chr5-82833766-T-A.
Other names: c.1983T>A, p.Asp661Glu (NM_001164097.2); c.4004-7590T>A (NM_001164098.2); c.1043-7590T>A (NM_001126336.3); short protein forms D661E, D1648E.
Identifiers: ClinVar variation 1483286 (VCV001483286.8), dbSNP rs534250394, ClinGen allele CA3333259.